The following is an entry in ClinVar:

ClinVar aggregate classification (germline): Likely pathogenic. Review status: criteria provided, single submitter (1 of 4 stars). 5 submissions from 5 submitters: Likely pathogenic (1). 4 of the submissions do not count toward it. Last evaluated 2026-09-08.

Conditions:
Fabry disease. Also called: GLA DEFICIENCY; HEREDITARY DYSTOPIC LIPIDOSIS; Angiokeratoma corporis diffusum; Ceramide trihexosidosis; Fabry's disease; ALPHA-GALACTOSIDASE A DEFICIENCY. Identifiers: Orphanet 324, MedGen C0002986, MONDO:0010526, OMIM 301500, HP:0001071. Disease mechanism: loss of function, Fabry disease is due to inactivating mutations in the X-linked GLA gene resulting in deficiency of the enzyme Alpha Galactosidase-A..

Submissions (5):

Genomenon, Inc
Classification: Likely pathogenic for Fabry disease. Last evaluated: 2026-09-08. Review status: criteria provided, single submitter. Criteria: Genomenon Sequence Variant Interpretation Standards - Updated. Collection method: curation. Allele origin: germline. Affected: yes.
Comment: GLA p.Ile319Thr (c.956T>C) is a missense variant that changes the amino acid at codon 319 from Isoleucine to Threonine. This variant has been observed in at least one proband with clinical features consistent with Fabry disease (PMID:37007699;20022777;39343861;26563328;39980015). The variant was found to segregate with disease in at least one affected family (PMID:37007699). Functional or patient cell studies have been reported (PMID:32023956;27657681;26563328;23935525). It is absent or not present at a significant frequency in gnomAD. In silico models predict that this variant is possibly or probably damaging. In conclusion, we classify GLA p.Ile319Thr (c.956T>C) as a likely pathogenic variant.

Clinical Genetics DNA and cytogenetics Diagnostics Lab, Erasmus MC, Erasmus Medical Center
Classification: Pathogenic. Review status: no assertion criteria provided. Collection method: clinical testing. Allele origin: germline. Affected: yes. Study: VKGL Data-share Consensus. Not counted in ClinVar's aggregate classification.

Clinical Genetics, Academic Medical Center
Classification: Pathogenic. Review status: no assertion criteria provided. Collection method: clinical testing. Allele origin: germline. Affected: yes. Study: VKGL Data-share Consensus. Not counted in ClinVar's aggregate classification.

Genome Diagnostics Laboratory, University Medical Center Utrecht
Classification: Likely pathogenic. Review status: no assertion criteria provided. Collection method: clinical testing. Allele origin: germline. Affected: yes. Study: VKGL Data-share Consensus. Not counted in ClinVar's aggregate classification.

Joint Genome Diagnostic Labs from Nijmegen and Maastricht, Radboudumc and MUMC+
Classification: Pathogenic. Review status: no assertion criteria provided. Collection method: clinical testing. Allele origin: germline. Affected: yes. Study: VKGL Data-share Consensus. Not counted in ClinVar's aggregate classification.

Literature cited by the submitters: PubMed 37007699 (cited by Genomenon, Inc); PubMed 20022777 (cited by Genomenon, Inc); PubMed 39343861 (cited by Genomenon, Inc); PubMed 26563328 (cited by Genomenon, Inc); PubMed 39980015 (cited by Genomenon, Inc); PubMed 32023956 (cited by Genomenon, Inc); PubMed 27657681 (cited by Genomenon, Inc); PubMed 23935525 (cited by Genomenon, Inc).

NM_000169.3(GLA):c.956T>C (p.Ile319Thr)

Genes: GLA (galactosidase alpha; minus strand), RPL36A-HNRNPH2 (RPL36A-HNRNPH2 readthrough; plus strand). Cytogenetic location: Xq22.1.
Variant type: single nucleotide variant.
Coding change: c.956T>C on transcript NM_000169.3 (MANE Select); coding-DNA position 956, T replaced by C.
Protein change: p.Ile319Thr; replaces isoleucine 319 with threonine.
Molecular consequence: missense variant. On other transcripts: non-coding transcript variant (3), intron variant (2).
Genome position (GRCh38, 1-based): chrX:101,398,413, A>G on the plus strand (T>C on the coding strand, the complement: GLA is on the minus strand). VCF-style: chrX-101398413-A-G. GRCh37 (hg19) VCF-style: chrX-100653401-A-G.
Other names: c.1079T>C, p.Ile360Thr (NM_001406747.1); c.956T>C, p.Ile319Thr (NM_001406748.1); c.300+2956A>G (NM_001199973.2); c.177+6591A>G (NM_001199974.2); short protein forms I319T, I360T.
Identifiers: ClinVar variation 1284447 (VCV001284447.7), dbSNP rs2147471929, ClinGen allele CA413921601.
Genomic context (GRCh38, chrX:101,398,413, plus strand): 5'-TATATACTCTTATTTACCTGTCTAAGCTGGTACCCTTGCTTGCCCAAGGGGTCCTGATTG[A>G]TGGCAATTACGTCCTTATCCTGAAGGAGAGCTTTGGCTTGAGGGCTGATGTGTCGGAGGT-3'
Protein context (NP_000160.1, residues 309-329): ALLQDKDVIA[Ile319Thr]NQDPLGKQGY